The following is an entry in ClinVar:

ClinVar aggregate classification (germline): Uncertain significance (1 of 4 stars; one submission).

Conditions:
Auriculocondylar syndrome 1 (ARCND1). Identifiers: Orphanet 137888, MedGen C4551996, MONDO:0011234, OMIM 602483.

gnomAD v4.1: 1 of 1,612,080 alleles (0.000062%); highest among the groups gnomAD compares: Non-Finnish European, 0.000085%; no homozygotes.

Submission:

MVZ Medizinische Genetik Mainz
Classification: Uncertain significance for Auriculocondylar syndrome 1. Last evaluated: 2026-07-24. Review status: criteria provided, single submitter. Criteria: UK Practice Guidelines For Variant Classification V4 01 2020. Collection method: clinical testing. Allele origin: germline. Inheritance: Autosomal dominant inheritance. Affected: yes. Observed: 1 variant allele.
Comment: ACMG Criteria: PP3_MOD,PM2_SUP

NM_006496.4(GNAI3):c.451T>C (p.Ser151Pro)

Gene: GNAI3 (G protein subunit alpha i3; plus strand). Cytogenetic location: 1p13.3.
Variant type: single nucleotide variant.
Coding change: c.451T>C on transcript NM_006496.4 (MANE Select); coding-DNA position 451, T replaced by C.
Protein change: p.Ser151Pro; replaces serine 151 with proline.
Molecular consequence: missense variant.
Genome position (GRCh38, 1-based): chr1:109,579,351, T>C. VCF-style: chr1-109579351-T-C. GRCh37 (hg19) VCF-style: chr1-110121973-T-C.
Other names: short protein forms S151P.
Identifiers: ClinVar variation 4887033 (VCV004887033.1).